The following is an entry in ClinVar:

NM_152564.5(VPS13B):c.2843G>A (p.Ser948Asn)

Gene: VPS13B (vacuolar protein sorting 13 homolog B; plus strand). Cytogenetic location: 8q22.2.
Variant type: single nucleotide variant.
Coding change: c.2843G>A on transcript NM_152564.5 (MANE Select); coding-DNA position 2843, G replaced by A.
Protein change: p.Ser948Asn; replaces serine 948 with asparagine.
Molecular consequence: missense variant.
Genome position (GRCh38, 1-based): chr8:99,384,226, G>A. VCF-style: chr8-99384226-G-A. GRCh37 (hg19) VCF-style: chr8-100396454-G-A.
Other names: c.2843G>A, p.Ser948Asn (NM_017890.5); short protein forms S948N.
Identifiers: ClinVar variation 1421125 (VCV001421125.5), dbSNP rs749988222, ClinGen allele CA371864646.

ClinVar aggregate classification (germline): Uncertain significance (1 of 4 stars; one submission).

Conditions:
Cohen syndrome (COH1). Also called: Cutis verticis gyrata, retinitis pigmentosa, and sensorineural deafness; PEPPER SYNDROME. Identifiers: Orphanet 193, MedGen C0265223, MONDO:0008999, OMIM 216550.

gnomAD v4.1: 10 of 1,613,924 alleles (0.00062%); highest among the groups gnomAD compares: Middle Eastern, 0.033%; no homozygotes.

Submission:

Labcorp Genetics (formerly Invitae), Labcorp
Classification: Uncertain significance for Cohen syndrome. Last evaluated: 2021-09-24. Review status: criteria provided, single submitter. Criteria: Invitae Variant Classification Sherloc (09022015). Collection method: clinical testing. Allele origin: germline.
Comment: This sequence change replaces serine with asparagine at codon 948 of the VPS13B protein (p.Ser948Asn). This variant is not present in population databases (ExAC no frequency). This variant has not been reported in the literature in individuals with VPS13B-related conditions. Algorithms developed to predict the effect of missense changes on protein structure and function output the following: SIFT: "Not Available"; PolyPhen-2: "Benign"; Align-GVGD: "Not Available". The asparagine amino acid residue is found in multiple mammalian species, suggesting that this missense change does not adversely affect protein function. These predictions have not been confirmed by published functional studies and their clinical significance is uncertain. In summary, the available evidence is currently insufficient to determine the role of this variant in disease. Therefore, it has been classified as a Variant of Uncertain Significance.